The following is an entry in ClinVar:

ClinVar aggregate classification (germline): Uncertain significance (1 of 4 stars; one submission).

Conditions:
Inborn genetic diseases. Identifiers: MedGen C0950123, MeSH D030342.

Submission:

Ambry Genetics
Classification: Uncertain significance for Inborn genetic diseases. Last evaluated: 2025-12-09. Review status: criteria provided, single submitter. Criteria: Ambry Variant Classification Scheme 2023. Collection method: clinical testing. Allele origin: germline.
Comment: The p.W1134R variant (also known as c.3400T>C), located in coding exon 1 of the SAMD9 gene, results from a T to C substitution at nucleotide position 3400. The tryptophan at codon 1134 is replaced by arginine, an amino acid with dissimilar properties. This amino acid position is conserved. In addition, this alteration is predicted to be tolerated by in silico analysis. Based on the available evidence, the clinical significance of this variant remains unclear.

NM_017654.4(SAMD9):c.3400T>C (p.Trp1134Arg)

Gene: SAMD9 (sterile alpha motif domain containing 9; minus strand). Cytogenetic location: 7q21.2.
Variant type: single nucleotide variant.
Coding change: c.3400T>C on transcript NM_017654.4 (MANE Select); coding-DNA position 3400, T replaced by C.
Protein change: p.Trp1134Arg; replaces tryptophan 1134 with arginine.
Molecular consequence: missense variant.
Genome position (GRCh38, 1-based): chr7:93,102,698, A>G on the plus strand (T>C on the coding strand, the complement: SAMD9 is on the minus strand). VCF-style: chr7-93102698-A-G. GRCh37 (hg19) VCF-style: chr7-92732011-A-G.
Other names: c.3400T>C, p.Trp1134Arg (NM_001193307.2); short protein forms W1134R.
Identifiers: ClinVar variation 4629987 (VCV004629987.1).